The following is an entry in ClinVar:

ClinVar aggregate classification (germline): Likely benign (1 of 4 stars; one submission).

gnomAD v4.1: 632 of 1,556,442 alleles (0.041%); highest among the groups gnomAD compares: South Asian, 0.44%; 10 homozygotes.

Submission:

CeGaT Center for Human Genetics Tuebingen
Classification: Likely benign. Last evaluated: 2025-08-01. Review status: criteria provided, single submitter. Criteria: CeGaT Center For Human Genetics Tuebingen Variant Classification Criteria Version 2. Collection method: clinical testing. Allele origin: germline. Affected: yes. Observed: 1 variant allele.
Comment: ANKRD36C: BP4, BP7

NM_001393982.1(ANKRD36C):c.2898T>C (p.Asp966=)

Gene: ANKRD36C (ankyrin repeat domain 36C; minus strand). Cytogenetic location: 2q11.1.
Variant type: single nucleotide variant.
Coding change: c.2898T>C on transcript NM_001393982.1 (MANE Select); coding-DNA position 2898, T replaced by C.
Protein change: p.Asp966=; no amino-acid change (aspartic acid 966 retained).
Molecular consequence: synonymous variant.
Genome position (GRCh38, 1-based): chr2:95,908,563, A>G on the plus strand (T>C on the coding strand, the complement: ANKRD36C is on the minus strand). VCF-style: chr2-95908563-A-G. GRCh37 (hg19) VCF-style: chr2-96574311-A-G.
Other names: c.2973T>C, p.Asp991= (NM_001310154.3).
Identifiers: ClinVar variation 4084072 (VCV004084072.8).